The following is an entry in ClinVar:

ClinVar aggregate classification (germline): Uncertain significance (1 of 4 stars; one submission).

Conditions:
Inborn genetic diseases. Identifiers: MedGen C0950123, MeSH D030342.

Submission:

Ambry Genetics
Classification: Uncertain significance for Inborn genetic diseases. Last evaluated: 2018-04-18. Review status: criteria provided, single submitter. Criteria: Ambry Variant Classification Scheme 2023. Collection method: clinical testing. Allele origin: germline.
Comment: The p.Y1168C variant (also known as c.3503A>G), located in coding exon 16 of the CHD8 gene, results from an A to G substitution at nucleotide position 3503. The tyrosine at codon 1168 is replaced by cysteine, an amino acid with highly dissimilar properties. This amino acid position is highly conserved in available vertebrate species. In addition, this alteration is predicted to be deleterious by in silico analysis. Since supporting evidence is limited at this time, the clinical significance of this alteration remains unclear.

NM_001170629.2(CHD8):c.3503A>G (p.Tyr1168Cys)

Gene: CHD8 (chromodomain helicase DNA binding protein 8; minus strand). Cytogenetic location: 14q11.2.
Variant type: single nucleotide variant.
Coding change: c.3503A>G on transcript NM_001170629.2 (MANE Select); coding-DNA position 3503, A replaced by G.
Protein change: p.Tyr1168Cys; replaces tyrosine 1168 with cysteine.
Molecular consequence: missense variant.
Genome position (GRCh38, 1-based): chr14:21,403,468, T>C on the plus strand (A>G on the coding strand, the complement: CHD8 is on the minus strand). VCF-style: chr14-21403468-T-C. GRCh37 (hg19) VCF-style: chr14-21871627-T-C.
Other names: c.2666A>G, p.Tyr889Cys (NM_020920.4); short protein forms Y1168C, Y889C.
Identifiers: ClinVar variation 1732088 (VCV001732088.2), dbSNP rs2501902909, ClinGen allele CA388900733.